The following is an entry in ClinVar:

NM_133433.4(NIPBL):c.65-17G>C

Gene: NIPBL (NIPBL cohesin loading factor; plus strand). Cytogenetic location: 5p13.2.
Variant type: single nucleotide variant.
Coding change: c.65-17G>C on transcript NM_133433.4 (MANE Select); 17 bases into the intron before coding-DNA position 65, G replaced by C.
Molecular consequence: intron variant.
Genome position (GRCh38, 1-based): chr5:36,955,455, G>C. VCF-style: chr5-36955455-G-C. GRCh37 (hg19) VCF-style: chr5-36955557-G-C.
Other names: c.65-17G>C (NM_015384.5).
Identifiers: ClinVar variation 516326 (VCV000516326.7), dbSNP rs201348552, ClinGen allele CA3235738.

ClinVar aggregate classification (germline): Benign. Review status: criteria provided, multiple submitters, no conflicts (2 of 4 stars). 3 submissions from 3 submitters: Benign (3). Last evaluated 2026-01-28.

Conditions:
Cornelia de Lange syndrome 1 (CDLS1). Also called: TYPUS DEGENERATIVUS AMSTELODAMENSIS; Brachmann de Lange syndrome; NIPBL-Related Cornelia de Lange Syndrome. Identifiers: Orphanet 199, MedGen C4551851, MONDO:0007387, OMIM 122470.

Allele frequency attached by ClinVar (database versions not stated): gnomAD exomes 0.00043; ExAC 0.00056; 1000 Genomes Project 30x 0.00125; 1000 Genomes Project 0.00140; gnomAD 0.00163 and 0.00178; TOPMed 0.00207; ESP Exome Variant Server 0.00246.
gnomAD v4.1: 483 of 1,607,244 alleles (0.03%); highest among the groups gnomAD compares: African/African-American, 0.57%; no homozygotes.

Submissions (3):

Labcorp Genetics (formerly Invitae), Labcorp
Classification: Benign for Cornelia de Lange syndrome 1. Last evaluated: 2026-01-28. Review status: criteria provided, single submitter. Criteria: Invitae Variant Classification Sherloc (09022015). Collection method: clinical testing. Allele origin: germline.

Blueprint Genetics
Classification: Benign. Last evaluated: 2024-09-11. Review status: criteria provided, single submitter. Criteria: ACMG Guidelines, 2015. Collection method: clinical testing. Allele origin: germline.

GeneDx
Classification: Benign. Last evaluated: 2017-02-23. Review status: criteria provided, single submitter. Criteria: GeneDx Variant Classification (06012015). Collection method: clinical testing. Allele origin: germline. Affected: yes.
Comment: This variant is considered likely benign or benign based on one or more of the following criteria: it is a conservative change, it occurs at a poorly conserved position in the protein, it is predicted to be benign by multiple in silico algorithms, and/or has population frequency not consistent with disease.